The following is an entry in ClinVar:

NM_174936.4(PCSK9):c.1563C>T (p.Tyr521=)

Gene: PCSK9 (proprotein convertase subtilisin/kexin type 9; plus strand). Cytogenetic location: 1p32.3.
Variant type: single nucleotide variant.
Coding change: c.1563C>T on transcript NM_174936.4 (MANE Select); coding-DNA position 1563, C replaced by T.
Protein change: p.Tyr521=; no amino-acid change (tyrosine 521 retained).
Molecular consequence: synonymous variant. On other transcripts: non-coding transcript variant (7), intron variant (1).
Genome position (GRCh38, 1-based): chr1:55,059,545, C>T. VCF-style: chr1-55059545-C-T. GRCh37 (hg19) VCF-style: chr1-55525218-C-T.
Other names: c.1686C>T, p.Tyr562= (NM_001407240.1); c.1605C>T, p.Tyr535= (NM_001407241.1); c.1566C>T, p.Tyr522= (NM_001407242.1); c.1506C>T, p.Tyr502= (NM_001407243.1); c.1389C>T, p.Tyr463= (NM_001407244.1); c.1371C>T, p.Tyr457= (NM_001407245.1); c.1188C>T, p.Tyr396= (NM_001407246.1); c.1181-1830C>T (NM_001407247.1).
Identifiers: ClinVar variation 923215 (VCV000923215.15), dbSNP rs771682043, ClinGen allele CA038024.

ClinVar aggregate classification (germline): Likely benign. Review status: criteria provided, multiple submitters, no conflicts (2 of 4 stars). 5 submissions from 5 submitters: Likely benign (5). Last evaluated 2025-09-23.

Conditions:
Cardiovascular phenotype. Identifiers: MedGen CN230736.
Familial hypercholesterolemia. Also called: Familial hypercholesterolemias; Familial hypercholesterolaemia. Identifiers: MedGen C0020445, MONDO:0005439.
Hypercholesterolemia, autosomal dominant, 3 (FHCL3). Also called: Familial hypercholesterolemia 3; Familial Hypercholesterolemia, Autosomal Dominant, 3; PCSK9-Related Familial Hypercholesterolemia, Autosomal Dominant. Identifiers: MedGen C1863551, MONDO:0011369, OMIM 603776.

Allele frequency attached by ClinVar (database versions not stated): gnomAD 0.00003 and 0.00005; TOPMed 0.00004; gnomAD exomes 0.00010; ExAC 0.00026.
gnomAD v4.1: 76 of 1,560,730 alleles (0.0049%); highest among the groups gnomAD compares: South Asian, 0.054%; no homozygotes.

Submissions (5):

Ambry Genetics
Classification: Likely benign for Cardiovascular phenotype. Last evaluated: 2025-09-23. Review status: criteria provided, single submitter. Criteria: Ambry Variant Classification Scheme 2023. Collection method: clinical testing. Allele origin: germline.

Labcorp Genetics (formerly Invitae), Labcorp
Classification: Likely benign for Hypercholesterolemia, autosomal dominant, 3. Last evaluated: 2025-02-05. Review status: criteria provided, single submitter. Criteria: Invitae Variant Classification Sherloc (09022015). Collection method: clinical testing. Allele origin: germline.

GENinCode PLC
Classification: Likely benign for Familial hypercholesterolemia. Last evaluated: 2024-05-22. Review status: criteria provided, single submitter. Criteria: ACMG Guidelines, 2015. Collection method: clinical testing. Allele origin: germline.
Comment: This is a synonymous (silent) variant that is not predicted by SpliceAI to impact splicing. In addition, it occurs at a nucleotide that is not conserved. Therefore this variant has been classified as Likely Benign (BP4, BP7).

All of Us Research Program, National Institutes of Health
Classification: Likely benign for Hypercholesterolemia, autosomal dominant, 3. Last evaluated: 2023-12-18. Review status: criteria provided, single submitter. Criteria: ACMG Guidelines, 2015. Collection method: clinical testing. Allele origin: germline. Inheritance: Autosomal dominant inheritance. Observed: 11 variant alleles, 11 heterozygotes.
Comment: This study involves interpretation of variants in research participants for the purpose of population health screening. Participant phenotype was not available at the time of variant classification. Additional details can be found in publication PMID: 35346344, PMCID: PMC8962531

Color Diagnostics, LLC DBA Color Health
Classification: Likely benign for Familial hypercholesterolemia. Last evaluated: 2018-07-01. Review status: criteria provided, single submitter. Criteria: ACMG Guidelines, 2015. Collection method: clinical testing. Allele origin: germline.